The following is an entry in ClinVar:

NM_014915.3(ANKRD26):c.2797A>T (p.Asn933Tyr)

Gene: ANKRD26 (ankyrin repeat domain containing 26; minus strand). Cytogenetic location: 10p12.1.
Variant type: single nucleotide variant.
Coding change: c.2797A>T on transcript NM_014915.3 (MANE Select); coding-DNA position 2797, A replaced by T.
Protein change: p.Asn933Tyr; replaces asparagine 933 with tyrosine.
Molecular consequence: missense variant.
Genome position (GRCh38, 1-based): chr10:27,035,653, T>A on the plus strand (A>T on the coding strand, the complement: ANKRD26 is on the minus strand). VCF-style: chr10-27035653-T-A. GRCh37 (hg19) VCF-style: chr10-27324582-T-A.
Other names: c.2794A>T, p.Asn932Tyr (NM_001256053.2); short protein forms N932Y, N933Y.
Identifiers: ClinVar variation 4103044 (VCV004103044.1).
Genomic context (GRCh38, chr10:27,035,653, plus strand): 5'-TCTTTTCTTTTACAATTTTAAGGTCCTCAAAACATTTCTTTTCTTTTTCCTGGTTTTGAT[T>A]TTTTATTGTGTCTATTTCTAGTCTTAGCATAGCAATTTCTTCCTGCAACATGCTATTTTT-3'
Protein context (NP_055730.2, residues 923-943): MLRLEIDTIK[Asn933Tyr]QNQEKEKKCF

ClinVar aggregate classification (germline): Uncertain significance (1 of 4 stars; one submission).

Conditions:
Inborn genetic diseases. Identifiers: MedGen C0950123, MeSH D030342.

gnomAD v4.1: 2 of 1,590,574 alleles (0.00013%); highest among the groups gnomAD compares: Non-Finnish European, 0.00017%; no homozygotes.

Submission:

Ambry Genetics
Classification: Uncertain significance for Inborn genetic diseases. Last evaluated: 2025-06-26. Review status: criteria provided, single submitter. Criteria: Ambry Variant Classification Scheme 2023. Collection method: clinical testing. Allele origin: germline.
Comment: The p.N933Y variant (also known as c.2797A>T), located in coding exon 24 of the ANKRD26 gene, results from an A to T substitution at nucleotide position 2797. The asparagine at codon 933 is replaced by tyrosine, an amino acid with dissimilar properties. This amino acid position is conserved. In addition, this alteration is predicted to be tolerated by in silico analysis. Based on the available evidence, the clinical significance of this variant remains unclear.